The following is an entry in ClinVar:

ClinVar aggregate classification (germline): Pathogenic (1 of 4 stars; one submission).

Conditions:
Rare genetic deafness. Identifiers: Orphanet 96210, MedGen C5680250.

Submission:

Laboratory for Molecular Medicine, Mass General Brigham Personalized Medicine
Classification: Pathogenic for Rare genetic deafness. Last evaluated: 2012-06-05. Review status: criteria provided, single submitter. Criteria: LMM Criteria. Collection method: clinical testing. Allele origin: germline. Inheritance: Autosomal recessive inheritance. Observed: 2 variant alleles.
Comment: The Val215fs variant in DFNB31 is predicted to cause a frameshift, which alters the protein's amino acid sequence beginning at codon 215 and leads to a prematur e stop codon 44 codons downstream. This alteration is then predicted to lead to a truncated or absent protein. In summary, this variant meets our criteria to be classified as pathogenic.

NM_015404.4(WHRN):c.643del (p.Val215fs)

Gene: WHRN (whirlin; minus strand). Cytogenetic location: 9q32.
Variant type: Deletion.
Coding change: c.643del on transcript NM_015404.4 (MANE Select); coding-DNA position 643, one base deleted (G; older notation c.643delG).
Protein change: p.Val215fs; shifts the reading frame from valine 215.
Molecular consequence: frameshift variant. On other transcripts: 5 prime UTR variant (1).
Genome position (GRCh38, 1-based): chr9:114,478,747, C deleted on the plus strand (G on the coding strand, the reverse complement: WHRN is on the minus strand); the first of 2 consecutive C bases (chr9:114,478,747-114,478,748); deleting either gives the same sequence. VCF-style (leftmost placement, unchanged base first): chr9-114478746-AC-A. GRCh37 (hg19) VCF-style: chr9-117241026-AC-A.
Other names: c.-507del (NM_001083885.3); c.643del, p.Val215fs (NM_001173425.2); short protein forms V215fs.
Identifiers: ClinVar variation 45679 (VCV000045679.5), dbSNP rs397517258, ClinGen allele CA277980.
Genomic context (GRCh38, chr9:114,478,746, plus strand): 5'-GTGTAGATGTGGTTGGTGACGTAGCCCCCAGGGATGCGCCCTGCTGAGTACACAGACAGC[AC>A]CAGCTTCTTGGAGCCCTTCAGAGCCTAGGGAGAGAGGGATACAAAGGTTAGAGGAAGGGA-3'